The following is an entry in ClinVar:

NM_000426.4(LAMA2):c.2133T>G (p.Tyr711Ter)

Gene: LAMA2 (laminin subunit alpha 2; plus strand). Cytogenetic location: 6q22.33.
Variant type: single nucleotide variant.
Coding change: c.2133T>G on transcript NM_000426.4 (MANE Select); coding-DNA position 2133, T replaced by G.
Protein change: p.Tyr711Ter; replaces tyrosine 711 with a stop codon.
Molecular consequence: nonsense.
Genome position (GRCh38, 1-based): chr6:129,260,747, T>G. VCF-style: chr6-129260747-T-G. GRCh37 (hg19) VCF-style: chr6-129581892-T-G.
Other names: c.2133T>G, p.Tyr711Ter (NM_001079823.2); short protein forms Y711*.
Identifiers: ClinVar variation 4293295 (VCV004293295.1).
Genomic context (GRCh38, chr6:129,260,747, plus strand): 5'-CATCTCTTTTTTCCTCTGCCATAGGTTGAGCTCTGTTAACCTTGAATCCGCTGTCTCCTA[T>G]CCTACTGATGGAAGCATTGCAGCAGCTGTAGAAGTGTGTCAGTGCCCACCAGGGTATACT-3'

ClinVar aggregate classification (germline): Likely pathogenic (1 of 4 stars; one submission).

Conditions:
Muscular dystrophy, limb-girdle, autosomal recessive 23. Identifiers: Orphanet 565837, MedGen C4748327, MONDO:0029136, OMIM 618138.

Submission:

3billion
Classification: Likely pathogenic for Muscular dystrophy, limb-girdle, autosomal recessive 23. Last evaluated: 2024-06-12. Review status: criteria provided, single submitter. Criteria: ACMG Guidelines, 2015. Collection method: clinical testing. Allele origin: germline. Affected: yes.
Comment: The variant is not observed in the gnomAD v4.0.0 dataset. Predicted Consequence/Location: Stop-gained (nonsense): predicted to result in a loss or disruption of normal protein function through nonsense-mediated decay (NMD) or protein truncation. Multiple pathogenic variants are reported downstream of the variant. Therefore, this variant is classified as Likely pathogenic according to the recommendation of ACMG/AMP guideline.